The following is an entry in ClinVar:

ClinVar aggregate classification (germline): Uncertain significance. Review status: criteria provided, multiple submitters, no conflicts (2 of 4 stars). 2 submissions from 2 submitters: Uncertain significance (2). Last evaluated 2025-06-12.

Conditions:
X-linked Alport syndrome (ATS1). Also called: COL4A5-Related Nephropathy; NEPHROPATHY AND DEAFNESS, X-LINKED. Identifiers: Orphanet 63, Orphanet 88917, MedGen C4746986, MONDO:0010520, OMIM 301050.

Submissions (2):

Labcorp Genetics (formerly Invitae), Labcorp
Classification: Uncertain significance. Last evaluated: 2025-06-12. Review status: criteria provided, single submitter. Criteria: Invitae Variant Classification Sherloc (09022015). Collection method: clinical testing. Allele origin: germline.
Comment: This sequence change replaces alanine, which is neutral and non-polar, with proline, which is neutral and non-polar, at codon 770 of the COL4A5 protein (p.Ala770Pro). This variant is not present in population databases (gnomAD no frequency). This variant has not been reported in the literature in individuals affected with COL4A5-related conditions. ClinVar contains an entry for this variant (Variation ID: 1039703). Invitae Evidence Modeling of protein sequence and biophysical properties (such as structural, functional, and spatial information, amino acid conservation, physicochemical variation, residue mobility, and thermodynamic stability) indicates that this missense variant is not expected to disrupt COL4A5 protein function with a negative predictive value of 95%. In summary, the available evidence is currently insufficient to determine the role of this variant in disease. Therefore, it has been classified as a Variant of Uncertain Significance.

Victorian Clinical Genetics Services, Murdoch Childrens Research Institute
Classification: Uncertain significance for X-linked Alport syndrome. Last evaluated: 2022-02-02. Review status: criteria provided, single submitter. Criteria: ACMG Guidelines, 2015. Collection method: clinical testing. Allele origin: germline. Inheritance: X-linked dominant inheritance. Affected: yes.
Comment: Based on the classification scheme VCGS_Germline_v1.3.4, this variant is classified as VUS-3B. Following criteria are met: 0103 - Dominant negative and loss of function are known mechanisms of disease in this gene and are associated with X-linked Alport syndrome 1 (MIM#301050). Dominant negative is caused by mostly glycine substitutions that affect the conformation of the protein, and loss of function can be caused by either protein truncating or missense variants (PMID: 24046192, PMID: 12028435). (I) 0110 - This gene is associated with X-linked dominant disease. Males are typically more severely affected than females (PMID: 19965530). (I) 0115 - Variants in this gene are known to have variable expressivity. There is intrafamilial variability among affected carrier females, possibly due to variable X-inactivation (PMID: 14514738). (I) 0200 - Variant is predicted to result in a missense amino acid change from alanine to proline. (I) 0253 - This variant is hemizygous. (I) 0301 - Variant is absent from gnomAD (both v2 and v3). (SP) 0503 - Missense variant consistently predicted to be tolerated by multiple in silico tools or not conserved in placental mammals with a minor amino acid change. (SB) 0600 - Variant is located in the annotated X position of a G-X-Y repeat within the triple-helical region (UniProt, DECIPHER). (I) 0705 - No comparable missense variants have previous evidence for pathogenicity. (I) 0808 - Previous reports of pathogenicity for this variant are conflicting. This variant has been reported as both a VUS and pathogenic (LOVD, ClinVar). (I) 0905 - No published segregation evidence has been identified for this variant. (I) 1007 - No published functional evidence has been identified for this variant. (I) 1102 - Strong phenotype match for this individual. (SP) 1208 - Inheritance information for this variant is not currently available in this individual. (I) Legend: (SP) - Supporting pathogenic, (I) - Information, (SB) - Supporting benign

Literature cited by the submitters: PubMed 12028435 (cited by Victorian Clinical Genetics Services, Murdoch Childrens Research Institute); PubMed 14514738 (cited by Victorian Clinical Genetics Services, Murdoch Childrens Research Institute); PubMed 19965530 (cited by Victorian Clinical Genetics Services, Murdoch Childrens Research Institute); PubMed 24046192 (cited by Victorian Clinical Genetics Services, Murdoch Childrens Research Institute).

NM_033380.3(COL4A5):c.2308G>C (p.Ala770Pro)

Gene: COL4A5 (collagen type IV alpha 5 chain; plus strand). Cytogenetic location: Xq22.3.
Variant type: single nucleotide variant.
Coding change: c.2308G>C on transcript NM_033380.3 (MANE Select); coding-DNA position 2308, G replaced by C.
Protein change: p.Ala770Pro; replaces alanine 770 with proline.
Molecular consequence: missense variant.
Genome position (GRCh38, 1-based): chrX:108,606,805, G>C. VCF-style: chrX-108606805-G-C. GRCh37 (hg19) VCF-style: chrX-107850035-G-C.
Other names: c.2308G>C (NM_033380.2); c.2308G>C, p.Ala770Pro (NM_000495.5); short protein forms A770P.
Identifiers: ClinVar variation 1039703 (VCV001039703.9), dbSNP rs2066736056, ClinGen allele CA413848944.
Genomic context (GRCh38, chrX:108,606,805, plus strand): 5'-GAACCAGGATTTGCATTACCTGGGCCACCTGGGCCACCAGGACTTCCAGGTTTCAAAGGA[G>C]CACTTGGTCCAAAAGGTGATCGTGGTTTCCCAGGACCTCCGGGTCCTCCAGGACGCACTG-3'
Protein context (NP_203699.1, residues 760-780): GPPGLPGFKG[Ala770Pro]LGPKGDRGFP